The following is an entry in ClinVar:

NM_001605.3(AARS1):c.1244A>C (p.Tyr415Ser)

Gene: AARS1 (alanyl-tRNA synthetase 1; minus strand). Cytogenetic location: 16q22.1.
Variant type: single nucleotide variant.
Coding change: c.1244A>C on transcript NM_001605.3 (MANE Select); coding-DNA position 1244, A replaced by C.
Protein change: p.Tyr415Ser; replaces tyrosine 415 with serine.
Molecular consequence: missense variant.
Genome position (GRCh38, 1-based): chr16:70,265,641, T>G on the plus strand (A>C on the coding strand, the complement: AARS1 is on the minus strand). VCF-style: chr16-70265641-T-G. GRCh37 (hg19) VCF-style: chr16-70299544-T-G.
Other names: short protein forms Y415S.
Identifiers: ClinVar variation 2799358 (VCV002799358.3), dbSNP rs373069396, ClinGen allele CA396562259.
Genomic context (GRCh38, chr16:70,265,641, plus strand): 5'-ACCAGGCCCTTCTCTTCAGCAATCAGTCCAGTCAGATCCACTGGAAACCCATAGGTGTCA[T>G]AGAGGAGCCAAGCAGTGTCTCCTACACAGCACAAAGGAGGTGTGTCAAAAAAAACAGACA-3'
Protein context (NP_001596.2, residues 405-425): TIPGDTAWLL[Tyr415Ser]DTYGFPVDLT

ClinVar aggregate classification (germline): Uncertain significance (1 of 4 stars; one submission).

Conditions:
Charcot-Marie-Tooth disease type 2. Also called: Charcot-Marie-Tooth type 2. Identifiers: Orphanet 64746, MedGen C0270914, MONDO:0018993.

gnomAD v4.1: 2 of 1,613,870 alleles (0.00012%); highest among the groups gnomAD compares: Non-Finnish European, 0.000085%; no homozygotes.

Submission:

Labcorp Genetics (formerly Invitae), Labcorp
Classification: Uncertain significance for Charcot-Marie-Tooth disease type 2. Last evaluated: 2023-04-06. Review status: criteria provided, single submitter. Criteria: Invitae Variant Classification Sherloc (09022015). Collection method: clinical testing. Allele origin: germline.
Comment: This variant has not been reported in the literature in individuals affected with AARS-related conditions. This variant is not present in population databases (gnomAD no frequency). This sequence change replaces tyrosine, which is neutral and polar, with serine, which is neutral and polar, at codon 415 of the AARS protein (p.Tyr415Ser). Advanced modeling of protein sequence and biophysical properties (such as structural, functional, and spatial information, amino acid conservation, physicochemical variation, residue mobility, and thermodynamic stability) performed at Invitae indicates that this missense variant is not expected to disrupt AARS protein function. In summary, the available evidence is currently insufficient to determine the role of this variant in disease. Therefore, it has been classified as a Variant of Uncertain Significance.